The following is an entry in ClinVar:

NM_001018005.2(TPM1):c.428T>G (p.Ile143Ser)

Gene: TPM1 (tropomyosin 1; plus strand). Cytogenetic location: 15q22.2.
Variant type: single nucleotide variant.
Coding change: c.428T>G on transcript NM_001018005.2 (MANE Select); coding-DNA position 428, T replaced by G.
Protein change: p.Ile143Ser; replaces isoleucine 143 with serine.
Molecular consequence: missense variant.
Genome position (GRCh38, 1-based): chr15:63,059,616, T>G. VCF-style: chr15-63059616-T-G. GRCh37 (hg19) VCF-style: chr15-63351815-T-G.
Other names: p.I143S:ATT>AGT; c.428T>G, p.Ile143Ser (NM_000366.6, NM_001018004.2, NM_001018006.2 and 6 more transcripts); c.320T>G, p.Ile107Ser (NM_001018008.2, NM_001301289.2, NM_001330344.2 and 5 more transcripts); c.554T>G, p.Ile185Ser (NM_001365778.1); short protein forms I143S, I107S, I185S.
Identifiers: ClinVar variation 181663 (VCV000181663.6), dbSNP rs730881136, ClinGen allele CA018929.

ClinVar aggregate classification (germline): Conflicting classifications of pathogenicity. Review status: criteria provided, conflicting classifications (1 of 4 stars). 2 submissions from 2 submitters: Pathogenic (1); Uncertain significance (1). Last evaluated 2022-11-08.

Conditions:
Hypertrophic cardiomyopathy. Also called: HYPERTROPHIC MYOCARDIOPATHY. Identifiers: Orphanet 217569, MedGen C0007194, MeSH D002312, MONDO:0005045, HP:0001639.

Submissions (2):

Labcorp Genetics (formerly Invitae), Labcorp
Classification: Uncertain significance for Hypertrophic cardiomyopathy. Last evaluated: 2022-11-08. Review status: criteria provided, single submitter. Criteria: Invitae Variant Classification Sherloc (09022015). Collection method: clinical testing. Allele origin: germline.
Comment: This sequence change replaces isoleucine, which is neutral and non-polar, with serine, which is neutral and polar, at codon 143 of the TPM1 protein (p.Ile143Ser). This variant is not present in population databases (gnomAD no frequency). This missense change has been observed in individual(s) with hypertrophic cardiomyopathy (PMID: 30297972). ClinVar contains an entry for this variant (Variation ID: 181663). Algorithms developed to predict the effect of missense changes on protein structure and function are either unavailable or do not agree on the potential impact of this missense change (SIFT: "Tolerated"; PolyPhen-2: "Possibly Damaging"; Align-GVGD: "Class C0"). In summary, the available evidence is currently insufficient to determine the role of this variant in disease. Therefore, it has been classified as a Variant of Uncertain Significance.

GeneDx
Classification: Pathogenic. Last evaluated: 2012-02-24. Review status: criteria provided, single submitter. Criteria: GeneDx Variant Classification (06012015). Collection method: clinical testing. Allele origin: germline. Affected: yes.
Comment: The Ile143Ser variant in the TPM1 gene has not been reported previously as a disease-causing mutation or as a benign polymorphism, to our knowledge. Ile143Ser results in a non-conservative amino acid substitution of a non-polar Isoleucine residue with a polar Serine residue at a position that is class conserved. The NHLBI ESP Exome Variant Server reports Ile143Ser was not observed in approximately 5,000 samples from individuals of European and African American backgrounds, indicating it is not a common benign variant in these populations. Nevertheless, no mutations in surrounding codons have been reported in association with cardiomyopathy. Also, multiple in silico analyses yield conflicting results regarding the effect of this variant on the protein structure/function. Therefore, Ile143Ser in the TPM1 gene is now interpreted as a likely disease-causing mutation. The variant is found in DCM panel(s).

Literature cited by the submitters: PubMed 30297972 (cited by Labcorp Genetics (formerly Invitae), Labcorp).